The following is an entry in ClinVar:

NM_000035.4(ALDOB):c.85G>A (p.Gly29Arg)

Gene: ALDOB (aldolase, fructose-bisphosphate B; minus strand). Cytogenetic location: 9q31.1.
Variant type: single nucleotide variant.
Coding change: c.85G>A on transcript NM_000035.4 (MANE Select); coding-DNA position 85, G replaced by A.
Protein change: p.Gly29Arg; replaces glycine 29 with arginine.
Molecular consequence: missense variant.
Genome position (GRCh38, 1-based): chr9:101,430,803, C>T on the plus strand (G>A on the coding strand, the complement: ALDOB is on the minus strand). VCF-style: chr9-101430803-C-T. GRCh37 (hg19) VCF-style: chr9-104193085-C-T.
Other names: short protein forms G29R.
Identifiers: ClinVar variation 4853917 (VCV004853917.1).
Genomic context (GRCh38, chr9:101,430,803, plus strand): 5'-TTGTTATATGATGAGACTGCTTTTTACACTCACCTACAGATTCATCTGCAGCCAGGATCC[C>T]CTTTCCATTGGCAACAATGCTCTGGGCAATTTCTGAGAGCTCCTTCTTCTGCTCCTGGGT-3'
Protein context (NP_000026.2, residues 19-39): IAQSIVANGK[Gly29Arg]ILAADESVGT

ClinVar aggregate classification (germline): Uncertain significance (1 of 4 stars; one submission).

Conditions:
Hereditary fructosuria. Also called: ALDOB DEFICIENCY; ALDOLASE B DEFICIENCY; FRUCTOSE-1,6-BISPHOSPHATE ALDOLASE B DEFICIENCY; FRUCTOSE-1-PHOSPHATE ALDOLASE DEFICIENCY; FRUCTOSEMIA; Hereditary fructose intolerance. Identifiers: Orphanet 469, MedGen C0016751, MONDO:0009249, OMIM 229600, HP:0005973. Disease mechanism: loss of function.

Submission:

3billion
Classification: Uncertain significance for Hereditary fructosuria. Last evaluated: 2025-09-10. Review status: criteria provided, single submitter. Criteria: ACMG Guidelines, 2015. Collection method: clinical testing. Allele origin: germline. Affected: yes.
Comment: The variant is not observed in the gnomAD v4.1.0 dataset. Predicted Consequence/Location: Missense variant In silico tool predictions suggest damaging effect of the variant on gene or gene product [REVEL: 0.97 (>=0.6, sensitivity 0.68 and specificity 0.92); 3Cnet: 0.92 (> 0.75, sensitivity 0.96 and precision 0.92)]. Therefore, this variant is classified as VUS according to the recommendation of ACMG/AMP guideline.